The following is an entry in ClinVar:

NM_015178.3(RHOBTB2):c.963C>T (p.Gly321=)

Gene: RHOBTB2 (Rho related BTB domain containing 2; plus strand). Cytogenetic location: 8p21.3.
Variant type: single nucleotide variant.
Coding change: c.963C>T on transcript NM_015178.3 (MANE Select); coding-DNA position 963, C replaced by T.
Protein change: p.Gly321=; no amino-acid change (glycine 321 retained).
Molecular consequence: synonymous variant.
Genome position (GRCh38, 1-based): chr8:23,007,208, C>T. VCF-style: chr8-23007208-C-T. GRCh37 (hg19) VCF-style: chr8-22864721-C-T.
Other names: c.1029C>T, p.Gly343= (NM_001160036.2); c.984C>T, p.Gly328= (NM_001160037.2); c.963C>T, p.Gly321= (NM_001374791.1).
Identifiers: ClinVar variation 4872808 (VCV004872808.2).

ClinVar aggregate classification (germline): Likely benign (1 of 4 stars; one submission).

Submission:

CeGaT Center for Human Genetics Tuebingen
Classification: Likely benign. Last evaluated: 2026-05-01. Review status: criteria provided, single submitter. Criteria: CeGaT Center For Human Genetics Tuebingen Variant Classification Criteria Version 2. Collection method: clinical testing. Allele origin: germline. Affected: yes. Observed: 1 variant allele.
Comment: RHOBTB2: BP4, BP7